The following is an entry in ClinVar:

ClinVar aggregate classification (germline): Likely benign. Review status: criteria provided, multiple submitters, no conflicts (2 of 4 stars). 8 submissions from 8 submitters: Likely benign (8). Last evaluated 2026-06-01.

Conditions:
Familial thoracic aortic aneurysm and aortic dissection (TAAD). Also called: Thoracic aortic aneurysms and dissections. Identifiers: Orphanet 91387, MedGen C4707243, MONDO:0019625.
Loeys-Dietz syndrome 2 (LDS2). Also called: AORTIC ANEURYSM, FAMILIAL THORACIC 3; MARFAN SYNDROME, TYPE II; Marfan syndrome, type 2 (formerly); Marfan Syndrome type 2; Marfan like connective tissue disorder; MFS 2. Identifiers: Orphanet 284973, Orphanet 558, MedGen C2674574, MONDO:0012427, OMIM 610168.
TGFBR2-related disorder. Also called: TGFBR2-related condition.

Allele frequency attached by ClinVar (database versions not stated): TOPMed 0.00003; gnomAD exomes 0.00005 and 0.00002; ExAC 0.00001; gnomAD 0.00001 and 0.00002.
gnomAD v4.1: 28 of 1,613,558 alleles (0.0017%); highest among the groups gnomAD compares: Admixed American, 0.027%; no homozygotes.

Submissions (8):

CeGaT Center for Human Genetics Tuebingen
Classification: Likely benign. Last evaluated: 2026-06-01. Review status: criteria provided, single submitter. Criteria: CeGaT Center For Human Genetics Tuebingen Variant Classification Criteria Version 2. Collection method: clinical testing. Allele origin: germline. Affected: yes. Observed: 1 variant allele.
Comment: TGFBR2: BP4, BP7

Labcorp Genetics (formerly Invitae), Labcorp
Classification: Likely benign for Familial thoracic aortic aneurysm and aortic dissection. Last evaluated: 2026-01-06. Review status: criteria provided, single submitter. Criteria: Invitae Variant Classification Sherloc (09022015). Collection method: clinical testing. Allele origin: germline.

PreventionGenetics, part of Exact Sciences
Classification: Likely benign for TGFBR2-related condition. Last evaluated: 2024-12-11. Review status: criteria provided, single submitter. Criteria: ACMG Guidelines, 2015. Collection method: clinical testing. Allele origin: germline.
Comment: This variant is classified as likely benign based on ACMG/AMP sequence variant interpretation guidelines (Richards et al. 2015 PMID: 25741868, with internal and published modifications).

All of Us Research Program, National Institutes of Health
Classification: Likely benign for Loeys-Dietz syndrome 2. Last evaluated: 2024-01-08. Review status: criteria provided, single submitter. Criteria: ACMG Guidelines, 2015. Collection method: clinical testing. Allele origin: germline. Inheritance: Autosomal dominant inheritance. Observed: 5 variant alleles, 5 heterozygotes.
Comment: This study involves interpretation of variants in research participants for the purpose of population health screening. Participant phenotype was not available at the time of variant classification. Additional details can be found in publication PMID: 35346344, PMCID: PMC8962531

Ambry Genetics
Classification: Likely benign for Familial thoracic aortic aneurysm and aortic dissection. Last evaluated: 2023-07-07. Review status: criteria provided, single submitter. Criteria: Ambry Variant Classification Scheme 2023. Collection method: clinical testing. Allele origin: germline.

Blueprint Genetics
Classification: Likely benign. Last evaluated: 2022-09-09. Review status: criteria provided, single submitter. Criteria: ACMG Guidelines, 2015. Collection method: clinical testing. Allele origin: germline.

GeneDx
Classification: Likely benign. Last evaluated: 2020-09-15. Review status: criteria provided, single submitter. Criteria: GeneDx Variant Classification Process June 2021. Collection method: clinical testing. Allele origin: germline. Affected: yes.

Color Diagnostics, LLC DBA Color Health
Classification: Likely benign for Familial thoracic aortic aneurysm and aortic dissection. Last evaluated: 2019-09-04. Review status: criteria provided, single submitter. Criteria: ACMG Guidelines, 2015. Collection method: clinical testing. Allele origin: germline.

NM_003242.6(TGFBR2):c.1158C>T (p.Leu386=)

Gene: TGFBR2 (transforming growth factor beta receptor 2; plus strand). Cytogenetic location: 3p24.1.
Variant type: single nucleotide variant.
Coding change: c.1158C>T on transcript NM_003242.6 (MANE Select); coding-DNA position 1158, C replaced by T.
Protein change: p.Leu386=; no amino-acid change (leucine 386 retained).
Molecular consequence: synonymous variant. On other transcripts: intron variant (1).
Genome position (GRCh38, 1-based): chr3:30,672,341, C>T. VCF-style: chr3-30672341-C-T. GRCh37 (hg19) VCF-style: chr3-30713833-C-T.
Other names: c.1233C>T, p.Leu411= (NM_001024847.3); c.1341C>T, p.Leu447= (NM_001407126.1); c.1266C>T, p.Leu422= (NM_001407127.1); c.1185C>T, p.Leu395= (NM_001407128.1); c.1161C>T, p.Leu387= (NM_001407129.1); c.1158C>T, p.Leu386= (NM_001407130.1); c.1053C>T, p.Leu351= (NM_001407132.1, NM_001407133.1, NM_001407134.1 and 2 more transcripts); c.873C>T, p.Leu291= (NM_001407137.1); and 2 more.
Identifiers: ClinVar variation 389346 (VCV000389346.19), dbSNP rs757158964, ClinGen allele CA045798.